The following is an entry in ClinVar:

ClinVar aggregate classification (germline): Conflicting classifications of pathogenicity. Review status: criteria provided, conflicting classifications (1 of 4 stars). 2 submissions from 2 submitters: Likely pathogenic (1); Uncertain significance (1). Last evaluated 2025-05-02.

Conditions:
Nephrotic syndrome. Identifiers: MedGen C0027726, MONDO:0005377, HP:0000100.
Inborn genetic diseases. Identifiers: MedGen C0950123, MeSH D030342.

Allele frequency attached by ClinVar (database versions not stated): gnomAD 0.00001; gnomAD exomes 0.00009 and 0.00003; ExAC 0.00014; TOPMed 0.00003.
gnomAD v4.1: 48 of 1,609,870 alleles (0.003%); highest among the groups gnomAD compares: Middle Eastern, 0.033%; no homozygotes.

Submissions (2):

Ambry Genetics
Classification: Uncertain significance for Inborn genetic diseases. Last evaluated: 2025-05-02. Review status: criteria provided, single submitter. Criteria: Ambry Variant Classification Scheme 2023. Collection method: clinical testing. Allele origin: germline.

Precision Medicine Center, Zhengzhou University
Classification: Likely pathogenic for Nephrotic syndrome. Review status: criteria provided, single submitter. Criteria: ACMG Guidelines, 2015. Collection method: research. Allele origin: germline. Affected: yes.
Comment: PM1:Located in well-established functional domain PP1:Cosegregation with disease in multiple affected family members PP3:Multiple lines of computational evidence support a deleterious effect on the gene or gene product PP4:Patient's phenotype is highly specific for a disease PP5:Reputable source recently reports variant as pathogenic

NM_005560.6(LAMA5):c.7051C>T (p.Arg2351Trp)

Gene: LAMA5 (laminin subunit alpha 5; minus strand). Cytogenetic location: 20q13.33.
Variant type: single nucleotide variant.
Coding change: c.7051C>T on transcript NM_005560.6 (MANE Select); coding-DNA position 7051, C replaced by T.
Protein change: p.Arg2351Trp; replaces arginine 2351 with tryptophan.
Molecular consequence: missense variant.
Genome position (GRCh38, 1-based): chr20:62,318,642, G>A on the plus strand (C>T on the coding strand, the complement: LAMA5 is on the minus strand). VCF-style: chr20-62318642-G-A. GRCh37 (hg19) VCF-style: chr20-60893698-G-A.
Other names: c.7051C>T (NM_005560.3); short protein forms R2351W.
Identifiers: ClinVar variation 1077034 (VCV001077034.4), dbSNP rs746829414, ClinGen allele CA9941440.